The following is an entry in ClinVar:

ClinVar aggregate classification (germline): Uncertain significance (1 of 4 stars; one submission).

Submission:

Labcorp Genetics (formerly Invitae), Labcorp
Classification: Uncertain significance. Last evaluated: 2023-04-22. Review status: criteria provided, single submitter. Criteria: Invitae Variant Classification Sherloc (09022015). Collection method: clinical testing. Allele origin: germline.
Comment: In summary, the available evidence is currently insufficient to determine the role of this variant in disease. Therefore, it has been classified as a Variant of Uncertain Significance. Advanced modeling of protein sequence and biophysical properties (such as structural, functional, and spatial information, amino acid conservation, physicochemical variation, residue mobility, and thermodynamic stability) performed at Invitae indicates that this missense variant is not expected to disrupt COL4A4 protein function. This variant has not been reported in the literature in individuals affected with COL4A4-related conditions. This variant is not present in population databases (gnomAD no frequency). This sequence change replaces histidine, which is basic and polar, with arginine, which is basic and polar, at codon 604 of the COL4A4 protein (p.His604Arg).

NM_000092.5(COL4A4):c.1811A>G (p.His604Arg)

Gene: COL4A4 (collagen type IV alpha 4 chain; minus strand). Cytogenetic location: 2q36.3.
Variant type: single nucleotide variant.
Coding change: c.1811A>G on transcript NM_000092.5 (MANE Select); coding-DNA position 1811, A replaced by G.
Protein change: p.His604Arg; replaces histidine 604 with arginine.
Molecular consequence: missense variant.
Genome position (GRCh38, 1-based): chr2:227,078,070, T>C on the plus strand (A>G on the coding strand, the complement: COL4A4 is on the minus strand). VCF-style: chr2-227078070-T-C. GRCh37 (hg19) VCF-style: chr2-227942786-T-C.
Other names: short protein forms H604R.
Identifiers: ClinVar variation 2858360 (VCV002858360.3), dbSNP rs2474721360, ClinGen allele CA350845617.